The following is an entry in ClinVar:

ClinVar aggregate classification (germline): other (0 of 4 stars; one submission).

Conditions:
Familial colorectal cancer. Identifiers: MedGen CN280943, MONDO:0023113. Disease mechanism: loss of function.

Submission:

Systems Biology Platform Zhejiang California International NanoSystems Institute
Classification: other for Familial colorectal cancer. Review status: no assertion criteria provided. Collection method: not provided. Allele origin: unknown.
ClinVar note: Converted during submission from cancer to other.

NM_000038.6(APC):c.646-5274G>C

Gene: APC (APC regulator of WNT signaling pathway; plus strand). Cytogenetic location: 5q22.2.
Variant type: single nucleotide variant.
Coding change: c.646-5274G>C on transcript NM_000038.6 (MANE Select); 5274 bases into the intron before coding-DNA position 646, G replaced by C.
Molecular consequence: intron variant.
Genome position (GRCh38, 1-based): chr5:112,787,172, G>C. VCF-style: chr5-112787172-G-C. GRCh37 (hg19) VCF-style: chr5-112122869-G-C.
Other names: c.646-5274G>C (NM_001354895.2, NM_001127510.3, NM_001354896.2 and 1 more transcripts); c.676-5274G>C (NM_001354897.2, NM_001354902.2); c.675+6269G>C (NM_001127511.3); c.571-5274G>C (NM_001354898.2, NM_001354904.2); c.-390-5274G>C (NM_001354906.2); c.645+6269G>C (NM_001354899.2); c.469-5274G>C (NM_001354900.2, NM_001354901.2, NM_001354905.2).
Identifiers: ClinVar variation 82968 (VCV000082968.2), dbSNP rs78446885, ClinGen allele CA012053.